The following is an entry in ClinVar:

NM_001048174.2(MUTYH):c.66del (p.Arg22fs)

Gene: MUTYH (mutY DNA glycosylase; minus strand). Cytogenetic location: 1p34.1.
Variant type: Deletion.
Coding change: c.66del on transcript NM_001048174.2 (MANE Select); coding-DNA position 66, one base deleted (G; older notation c.66delG).
Protein change: p.Arg22fs; shifts the reading frame from arginine 22.
Molecular consequence: frameshift variant. On other transcripts: 5 prime UTR variant (4), non-coding transcript variant (2).
Genome position (GRCh38, 1-based): chr1:45,334,440, C deleted on the plus strand (G on the coding strand, the reverse complement: MUTYH is on the minus strand); the first of 2 consecutive C bases (chr1:45,334,440-45,334,441); deleting either gives the same sequence. VCF-style (leftmost placement, unchanged base first): chr1-45334439-GC-G. GRCh37 (hg19) VCF-style: chr1-45800111-GC-G.
Other names: c.66del, p.Arg22fs (NM_001048171.2, NM_001048172.2, NM_001048173.2 and 2 more transcripts); c.108del, p.Arg36fs (NM_001128425.2, NM_001293190.2, NM_012222.3); c.-147del (NM_001293192.2, NM_001293196.2); c.-206del (NM_001350650.2); c.-142del (NM_001350651.2); c.107delG, p.Arg36Serfs (NM_001407069.1, NM_001407073.1); c.65delG, p.Arg22Serfs (NM_001407070.1, NM_001407071.1, NM_001407072.1 and 10 more transcripts); c.-92delG (NM_001407075.1); and 4 more; short protein forms R22fs, R36fs.
Identifiers: ClinVar variation 1788862 (VCV001788862.2), dbSNP rs2524357772, ClinGen allele CA2580063294.
Genomic context (GRCh38, chr1:45,334,439, plus strand): 5'-CTAGTTCCTTACCATCACAGGCAGAAGGCTTGGCCTGACTGTTGTTCTTAGCATGCTTCT[GC>G]CTCCCTTCCTGGCTGGCTGCCTGCTTCCTGTGACCACTTCCCACGGCTGCTCGTGGCTTC-3'

ClinVar aggregate classification (germline): Pathogenic (1 of 4 stars; one submission).

Conditions:
Hereditary cancer-predisposing syndrome. Also called: Hereditary Cancer Syndrome; Hereditary neoplastic syndrome; Tumor predisposition; Neoplastic Syndromes, Hereditary. Identifiers: Orphanet 140162, MedGen C0027672, MeSH D009386, MONDO:0015356.

Submission:

Ambry Genetics
Classification: Pathogenic for Hereditary cancer-predisposing syndrome. Last evaluated: 2019-12-17. Review status: criteria provided, single submitter. Criteria: Ambry Variant Classification Scheme 2023. Collection method: clinical testing. Allele origin: germline.
Comment: The c.108delG pathogenic mutation, located in coding exon 2 of the MUTYH gene, results from a deletion of one nucleotide at nucleotide position 108, causing a translational frameshift with a predicted alternate stop codon (p.R36Sfs*22). This alteration is expected to result in loss of function by premature protein truncation or nonsense-mediated mRNA decay. As such, this alteration is interpreted as a disease-causing mutation.